The following is an entry in ClinVar:

ClinVar aggregate classification (germline): Likely pathogenic (1 of 4 stars; one submission).

Conditions:
Deficiency of galactokinase. Also called: Galactokinase deficiency with cataracts; GALACTOSEMIA II. Identifiers: Orphanet 352, Orphanet 79237, MedGen C0268155, MONDO:0009255, OMIM 230200.

Submission:

Natera, Inc.
Classification: Likely pathogenic for Deficiency of galactokinase. Last evaluated: 2024-04-11. Review status: criteria provided, single submitter. Criteria: Natera Variant Classification Schema (03/2026). Collection method: clinical testing. Allele origin: germline.
Comment: The c.2T>C variant in GALK1 is predicted to result in start loss due to disruption of the initiator methionine. This variant is expected to result in nonsense mediated decay, truncation, or a dysfunctional protein product. This variant is rare in the general population with a frequency below the threshold expected for the associated phenotype(s). Given the available evidence, this variant is classified as Likely Pathogenic.

NM_000154.2(GALK1):c.2T>C (p.Met1Thr)

Gene: GALK1 (galactokinase 1; minus strand). Cytogenetic location: 17q25.1.
Variant type: single nucleotide variant.
Coding change: c.2T>C on transcript NM_000154.2 (MANE Select); coding-DNA position 2, T replaced by C.
Protein change: p.Met1Thr; changes the start codon (methionine 1).
Molecular consequence: missense variant, initiator codon variant.
Genome position (GRCh38, 1-based): chr17:75,765,135, A>G on the plus strand (T>C on the coding strand, the complement: GALK1 is on the minus strand). VCF-style: chr17-75765135-A-G. GRCh37 (hg19) VCF-style: chr17-73761216-A-G.
Other names: c.2T>C, p.Met1Thr (NM_001381985.1); short protein forms M1T.
Identifiers: ClinVar variation 4817610 (VCV004817610.1).